The following is an entry in ClinVar:

NM_004370.6(COL12A1):c.7541A>G (p.Asp2514Gly)

Gene: COL12A1 (collagen type XII alpha 1 chain; minus strand). Cytogenetic location: 6q13.
Variant type: single nucleotide variant.
Coding change: c.7541A>G on transcript NM_004370.6 (MANE Select); coding-DNA position 7541, A replaced by G.
Protein change: p.Asp2514Gly; replaces aspartic acid 2514 with glycine.
Molecular consequence: missense variant.
Genome position (GRCh38, 1-based): chr6:75,116,036, T>C on the plus strand (A>G on the coding strand, the complement: COL12A1 is on the minus strand). VCF-style: chr6-75116036-T-C. GRCh37 (hg19) VCF-style: chr6-75825752-T-C.
Other names: p.Asp2514Gly; c.4049A>G, p.Asp1350Gly (NM_080645.3); short protein forms D2514G, D1350G.
Identifiers: ClinVar variation 568986 (VCV000568986.53), dbSNP rs202109365, ClinGen allele CA3892533.

ClinVar aggregate classification (germline): Conflicting classifications of pathogenicity. Review status: criteria provided, conflicting classifications (1 of 4 stars). 4 submissions from 4 submitters: Uncertain significance (2); Likely benign (2). Last evaluated 2025-10-07.

Conditions:
Ullrich congenital muscular dystrophy 2 (UCMD2). Identifiers: Orphanet 75840, MedGen C4225314, MONDO:0014654, OMIM 616470.
Bethlem myopathy 2 (BTHLM2). Identifiers: Orphanet 536516, Orphanet 610, MedGen C4225313, MONDO:0034022, OMIM 616471.

Allele frequency attached by ClinVar (database versions not stated): gnomAD 0.00004 and 0.00005; TOPMed 0.00004; gnomAD exomes 0.00005 and 0.00006; ExAC 0.00008.
gnomAD v4.1: 83 of 1,613,302 alleles (0.0051%); highest among the groups gnomAD compares: South Asian, 0.022%; no homozygotes.

Submissions (4):

Labcorp Genetics (formerly Invitae), Labcorp
Classification: Likely benign for Bethlem myopathy 2; Ullrich congenital muscular dystrophy 2. Last evaluated: 2025-10-07. Review status: criteria provided, single submitter. Criteria: Invitae Variant Classification Sherloc (09022015). Collection method: clinical testing. Allele origin: germline.

Mayo Clinic Laboratories, Mayo Clinic
Classification: Uncertain significance. Last evaluated: 2025-08-08. Review status: criteria provided, single submitter. Criteria: ACMG Guidelines, 2015. Collection method: clinical testing. Allele origin: germline. Observed: 2 variant alleles.

CeGaT Center for Human Genetics Tuebingen
Classification: Likely benign. Last evaluated: 2025-04-01. Review status: criteria provided, single submitter. Criteria: CeGaT Center For Human Genetics Tuebingen Variant Classification Criteria Version 2. Collection method: clinical testing. Allele origin: germline. Affected: yes. Observed: 3 variant alleles.
Comment: COL12A1: BP4

GeneDx
Classification: Uncertain significance. Last evaluated: 2023-05-17. Review status: criteria provided, single submitter. Criteria: GeneDx Variant Classification Process June 2021. Collection method: clinical testing. Allele origin: germline. Affected: yes.
Comment: Has not been previously published as pathogenic or benign to our knowledge; In silico analysis supports that this missense variant has a deleterious effect on protein structure/function

Literature cited by the submitters: PubMed 38174471 (cited by Mayo Clinic Laboratories, Mayo Clinic); PubMed 40508193 (cited by Mayo Clinic Laboratories, Mayo Clinic).